The following is an entry in ClinVar:

ClinVar aggregate classification (germline): Uncertain significance (1 of 4 stars; one submission).

Conditions:
RYR1-related disorder. Also called: RYR1-related condition; RYR1-related disorders. Identifiers: MedGen CN239331.

Submission:

Labcorp Genetics (formerly Invitae), Labcorp
Classification: Uncertain significance for RYR1-related disorder. Last evaluated: 2022-07-11. Review status: criteria provided, single submitter. Criteria: Invitae Variant Classification Sherloc (09022015). Collection method: clinical testing. Allele origin: germline.
Comment: This sequence change replaces glycine, which is neutral and non-polar, with arginine, which is basic and polar, at codon 186 of the RYR1 protein (p.Gly186Arg). This variant is not present in population databases (gnomAD no frequency). This variant has not been reported in the literature in individuals affected with RYR1-related conditions. Advanced modeling of protein sequence and biophysical properties (such as structural, functional, and spatial information, amino acid conservation, physicochemical variation, residue mobility, and thermodynamic stability) performed at Invitae indicates that this missense variant is expected to disrupt RYR1 protein function. In summary, the available evidence is currently insufficient to determine the role of this variant in disease. Therefore, it has been classified as a Variant of Uncertain Significance.

NM_000540.3(RYR1):c.556G>C (p.Gly186Arg)

Gene: RYR1 (ryanodine receptor 1; plus strand). Cytogenetic location: 19q13.2.
Variant type: single nucleotide variant.
Coding change: c.556G>C on transcript NM_000540.3 (MANE Select); coding-DNA position 556, G replaced by C.
Protein change: p.Gly186Arg; replaces glycine 186 with arginine.
Molecular consequence: missense variant.
Genome position (GRCh38, 1-based): chr19:38,444,602, G>C. VCF-style: chr19-38444602-G-C. GRCh37 (hg19) VCF-style: chr19-38935242-G-C.
Other names: c.556G>C, p.Gly186Arg (NM_001042723.2); short protein forms G186R.
Identifiers: ClinVar variation 2035489 (VCV002035489.4), dbSNP rs759256183, ClinGen allele CA405678246.